The following is an entry in ClinVar:

ClinVar aggregate classification (germline): Likely pathogenic. Review status: reviewed by expert panel (3 of 4 stars). 3 submissions from 3 submitters: Likely pathogenic (1). 2 of the submissions do not count toward it. Last evaluated 2025-05-16.

Conditions:
Hereditary cancer-predisposing syndrome. Also called: Neoplastic Syndromes, Hereditary; Tumor predisposition; Hereditary Cancer Syndrome; Hereditary neoplastic syndrome. Identifiers: Orphanet 140162, MedGen C0027672, MeSH D009386, MONDO:0015356.
Familial adenomatous polyposis 1 (FAP1). Also called: FAMILIAL ADENOMATOUS POLYPOSIS 1, ATTENUATED; POLYPOSIS, ADENOMATOUS INTESTINAL. Identifiers: MedGen C2713442, MONDO:0021056, OMIM 175100. Disease mechanism: loss of function.

Submissions (3):

ClinGen InSiGHT Hereditary Colorectal Cancer/Polyposis Variant Curation Expert Panel
Classification: Likely pathogenic for Familial adenomatous polyposis 1. Last evaluated: 2025-05-16. Review status: reviewed by expert panel. Criteria: ClinGen InSiGHT HCCP VCEP ACMG Specifications APC V1. Collection method: curation. Allele origin: germline. Inheritance: Autosomal dominant inheritance.
Comment: The NM_000038.6(APC):c.933G>C variant in APC is a G to non-G change at the last nucleotide of exon 9. RNA analysis demonstrated that the variant impacts splicing by an insertion of the first 66 nucleotides of intron 9, resulting in a premature stop codon (r.933_934ins933+1_933+66 p.K311_V312insVTEDYKPWSLMP*) (internal data Ambry Genetics; in Fig. 1B of the ACMG/AMP criteria specification by the ClinGen InSiGHT Hereditary Colorectal Cancer/Polyposis VCEP [HCCP VCEP] the variant was evaluated as PVS1_Supporting, but based on the additional RNA data the HCCP VCEP considers PVS1_Strong as applicable for this variant). This variant has been reported in 2 probands meeting phenotypic criteria, resulting in a total phenotype score of 1.5 (PS4_Supporting, PMID: 20685668, internal data Labcorp Genetics [formerly Invitae]). This variant is absent in gnomAD v2.1.1 (PM2_Supporting). In summary, this variant meets the criteria to be classified as Likely Pathogenic for autosomal-dominant inherited FAP based on the ACMG/AMP criteria applied, as specified by the HCCP VCEP: PVS1_Strong, PS4_Supporting, PM2_Supporting applied (VCEP specifications version v2.0.3; date of approval 7/24/2023).

Labcorp Genetics (formerly Invitae), Labcorp
Classification: Likely pathogenic for Familial adenomatous polyposis 1. Last evaluated: 2024-12-23. Review status: criteria provided, single submitter. Criteria: Invitae Variant Classification Sherloc (09022015). Collection method: clinical testing. Allele origin: germline. Not counted in ClinVar's aggregate classification.
Comment: This sequence change affects codon 311 of the APC mRNA. It is a 'silent' change, meaning that it does not change the encoded amino acid sequence of the APC protein. RNA analysis indicates that this variant induces altered splicing and may result in an absent or altered protein product. This variant is not present in population databases (gnomAD no frequency). This variant has been observed in individual(s) with clinical features of familial adenomatous polyposis (internal data). ClinVar contains an entry for this variant (Variation ID: 1025291). An algorithm developed to predict the effect of missense changes on protein structure and function (PolyPhen-2) suggests that this variant is likely to be disruptive. Variants that disrupt the consensus splice site are a relatively common cause of aberrant splicing (PMID: 17576681, 9536098). Studies have shown that this variant results in activation of a cryptic splice site, and produces a non-functional protein and/or introduces a premature termination codon (internal data). In summary, the currently available evidence indicates that the variant is pathogenic, but additional data are needed to prove that conclusively. Therefore, this variant has been classified as Likely Pathogenic.

Ambry Genetics
Classification: Likely pathogenic for Hereditary cancer-predisposing syndrome. Last evaluated: 2022-12-13. Review status: criteria provided, single submitter. Criteria: Ambry Variant Classification Scheme 2023. Collection method: clinical testing. Allele origin: germline. Not counted in ClinVar's aggregate classification.
Comment: The c.933G>C variant (also known as p.K311N), located in coding exon 8 of the APC gene, results from a G to C substitution at nucleotide position 933. The amino acid change results in lysine to asparagine at codon 311, an amino acid with similar properties. However, this change occurs in the last base pair of coding exon 8, which makes it likely to have some effect on normal mRNA splicing. This variant was identified in 1/863 colonic polyposis patients from a French cohort (Lagarde A et al. J Med Genet, 2010 Oct;47:721-2). In addition, this alteration has been observed in at least one individual with a personal and/or family history that is consistent with APC-related disease (external communication). This nucleotide position is highly conserved in available vertebrate species. In silico splice site analysis predicts that this alteration will weaken the native splice donor site and result in the strengthening of a novel splice donor site. RNA studies have demonstrated that this alteration results in abnormal splicing in the set of samples tested (Ambry internal data). Based on the majority of available evidence to date, this variant is likely to be pathogenic.

Literature cited by the submitters: PubMed 17576681 (cited by Labcorp Genetics (formerly Invitae), Labcorp); PubMed 9536098 (cited by Labcorp Genetics (formerly Invitae), Labcorp); PubMed 20685668 (cited by Ambry Genetics).

NM_000038.6(APC):c.933G>C (p.Lys311Asn)

Gene: APC (APC regulator of Wnt signaling pathway; plus strand). Cytogenetic location: 5q22.2.
Variant type: single nucleotide variant.
Coding change: c.933G>C on transcript NM_000038.6 (MANE Select); coding-DNA position 933, G replaced by C.
Protein change: p.Lys311Asn; replaces lysine 311 with asparagine.
Molecular consequence: missense variant.
Genome position (GRCh38, 1-based): chr5:112,815,593, G>C. VCF-style: chr5-112815593-G-C. GRCh37 (hg19) VCF-style: chr5-112151290-G-C.
Other names: NM_000038.6(APC):c.933G>C; p.Lys311Asn; c.933G>C (NM_000038.5); c.933G>C, p.Lys311Asn (NM_001127510.3, NM_001354895.2, NM_001354896.2 and 1 more transcripts); c.879G>C, p.Lys293Asn (NM_001127511.3); c.963G>C, p.Lys321Asn (NM_001354897.2, NM_001354902.2); c.858G>C, p.Lys286Asn (NM_001354898.2, NM_001354904.2); c.849G>C, p.Lys283Asn (NM_001354899.2); and 2 more; short protein forms K252N, K283N, K286N, K28N, K293N, K311N, K321N.
Identifiers: ClinVar variation 1025291 (VCV001025291.10), dbSNP rs1762431806, ClinGen allele CA16023349.
Genomic context (GRCh38, chr5:112,815,593, plus strand): 5'-TTTGAGTTCTAGTAGCACACACTCTGCACCTCGAAGGCTGACAAGTCATCTGGGAACCAA[G>C]GTAACAGAAGATTACAAACCCTGGTCACTAATGCCATGACTACTTTGCTAAGACATTCTT-3'
Protein context (NP_000029.2, residues 301-321): PRRLTSHLGT[Lys311Asn]VEMVYSLLSM